The following is an entry in ClinVar:

NM_003587.5(DHX16):c.428A>T (p.Lys143Ile)

Gene: DHX16 (DEAH-box helicase 16; minus strand). Cytogenetic location: 6p21.33.
Variant type: single nucleotide variant.
Coding change: c.428A>T on transcript NM_003587.5 (MANE Select); coding-DNA position 428, A replaced by T.
Protein change: p.Lys143Ile; replaces lysine 143 with isoleucine.
Molecular consequence: missense variant. On other transcripts: 5 prime UTR variant (1).
Genome position (GRCh38, 1-based): chr6:30,671,054, T>A on the plus strand (A>T on the coding strand, the complement: DHX16 is on the minus strand). VCF-style: chr6-30671054-T-A. GRCh37 (hg19) VCF-style: chr6-30638831-T-A.
Other names: c.248A>T, p.Lys83Ile (NM_001164239.2); c.-1692A>T (NM_001363515.2); short protein forms K143I, K83I.
Identifiers: ClinVar variation 771393 (VCV000771393.5), dbSNP rs146739908, ClinGen allele CA3701500.

ClinVar aggregate classification (germline): Benign. Review status: criteria provided, single submitter (1 of 4 stars). 2 submissions from 2 submitters: Benign (1). 1 of the submissions does not count toward it. Last evaluated 2018-05-24.

Conditions:
DHX16-related disorder. Also called: DHX16-related condition.

Allele frequency attached by ClinVar (database versions not stated): ESP Exome Variant Server 0.00012; gnomAD exomes 0.00097 and 0.00448; gnomAD 0.00205 and 0.00219; ExAC 0.00328; TOPMed 0.00355; 1000 Genomes Project 0.00439; 1000 Genomes Project 30x 0.00468.
gnomAD v4.1: 1,745 of 1,613,080 alleles (0.11%); highest among the groups gnomAD compares: Admixed American, 2.8%; 37 homozygotes.

Submissions (2):

Labcorp Genetics (formerly Invitae), Labcorp
Classification: Benign. Last evaluated: 2018-05-24. Review status: criteria provided, single submitter. Criteria: Invitae Variant Classification Sherloc (09022015). Collection method: clinical testing. Allele origin: germline.

PreventionGenetics, part of Exact Sciences
Classification: Benign for DHX16-related condition. Last evaluated: 2019-11-12. Review status: no assertion criteria provided. Collection method: clinical testing. Allele origin: germline. Not counted in ClinVar's aggregate classification.
Comment: This variant is classified as benign based on ACMG/AMP sequence variant interpretation guidelines (Richards et al. 2015 PMID: 25741868, with internal and published modifications).